The following is an entry in ClinVar:

NM_004656.4(BAP1):c.1985T>A (p.Ile662Asn)

Gene: BAP1 (BRCA1 associated deubiquitinase 1; minus strand). Cytogenetic location: 3p21.1.
Variant type: single nucleotide variant.
Coding change: c.1985T>A on transcript NM_004656.4 (MANE Select); coding-DNA position 1985, T replaced by A.
Protein change: p.Ile662Asn; replaces isoleucine 662 with asparagine.
Molecular consequence: missense variant.
Genome position (GRCh38, 1-based): chr3:52,402,673, A>T on the plus strand (T>A on the coding strand, the complement: BAP1 is on the minus strand). VCF-style: chr3-52402673-A-T. GRCh37 (hg19) VCF-style: chr3-52436689-A-T.
Other names: c.1931T>A, p.Ile644Asn (NM_001410772.1); short protein forms I644N, I662N.
Identifiers: ClinVar variation 2983695 (VCV002983695.3), dbSNP rs773857745, ClinGen allele CA353096395.

ClinVar aggregate classification (germline): Uncertain significance (1 of 4 stars; one submission).

Conditions:
BAP1-related tumor predisposition syndrome (TPDS1). Also called: COMMON Syndrome; TUMOR PREDISPOSITION SYNDROME 1; Tumor susceptibility linked to germline BAP1 mutations; BAP1 tumor predisposition syndrome. Identifiers: Orphanet 289539, MedGen C3280492, MONDO:0013692, OMIM 614327.

Submission:

Labcorp Genetics (formerly Invitae), Labcorp
Classification: Uncertain significance for BAP1-related tumor predisposition syndrome. Last evaluated: 2023-06-04. Review status: criteria provided, single submitter. Criteria: Invitae Variant Classification Sherloc (09022015). Collection method: clinical testing. Allele origin: germline.
Comment: In summary, the available evidence is currently insufficient to determine the role of this variant in disease. Therefore, it has been classified as a Variant of Uncertain Significance. An algorithm developed to predict the effect of missense changes on protein structure and function (PolyPhen-2) suggests that this variant is likely to be disruptive. This variant has not been reported in the literature in individuals affected with BAP1-related conditions. This variant is not present in population databases (gnomAD no frequency). This sequence change replaces isoleucine, which is neutral and non-polar, with asparagine, which is neutral and polar, at codon 662 of the BAP1 protein (p.Ile662Asn).